The following is an entry in ClinVar:

ClinVar aggregate classification (germline): Benign/Likely benign. Review status: criteria provided, multiple submitters, no conflicts (2 of 4 stars). 5 submissions from 5 submitters: Benign (1); Likely benign (3). 1 of the submissions does not count toward it. Last evaluated 2026-02-04.

Conditions:
LAMC2-related disorder. Also called: LAMC2-related condition.
Junctional epidermolysis bullosa. Identifiers: Orphanet 305, MedGen C0079301, MONDO:0017612.

Allele frequency attached by ClinVar (database versions not stated): 1000 Genomes Project 30x 0.00344; 1000 Genomes Project 0.00379; TOPMed 0.00404; ESP Exome Variant Server 0.00415; gnomAD 0.00527 and 0.00540; ExAC 0.00593; gnomAD exomes 0.00610 and 0.00681.
gnomAD v4.1: 9,706 of 1,614,238 alleles (0.6%); highest among the groups gnomAD compares: Middle Eastern, 1.7%; 53 homozygotes.

Submissions (5):

Labcorp Genetics (formerly Invitae), Labcorp
Classification: Benign. Last evaluated: 2026-02-04. Review status: criteria provided, single submitter. Criteria: Invitae Variant Classification Sherloc (09022015). Collection method: clinical testing. Allele origin: germline.

CeGaT Center for Human Genetics Tuebingen
Classification: Likely benign. Last evaluated: 2023-04-01. Review status: criteria provided, single submitter. Criteria: CeGaT Center For Human Genetics Tuebingen Variant Classification Criteria Version 2. Collection method: clinical testing. Allele origin: germline. Affected: yes. Observed: 2 variant alleles.
Comment: LAMC2: BP4, BP7, BS2

Illumina Laboratory Services, Illumina
Classification: Likely benign for Junctional epidermolysis bullosa. Last evaluated: 2018-01-13. Review status: criteria provided, single submitter. Criteria: ICSL Variant Classification Criteria 13 December 2019. Collection method: clinical testing. Allele origin: germline.
Comment: This variant was observed in the ICSL laboratory as part of a predisposition screen in an ostensibly healthy population. It had not been previously curated by ICSL or reported in the Human Gene Mutation Database (HGMD: prior to June 1st, 2018), and was therefore a candidate for classification through an automated scoring system. Utilizing variant allele frequency, disease prevalence and penetrance estimates, and inheritance mode, an automated score was calculated to assess if this variant is too frequent to cause the disease. Based on the score and internal cut-off values, a variant classified as likely benign is not then subjected to further curation. The score for this variant resulted in a classification of likely benign for this disease.

Breakthrough Genomics
Classification: Likely benign. Review status: criteria provided, single submitter. Criteria: ACMG Guidelines, 2015. Collection method: not provided. Allele origin: germline. Inheritance: Autosomal recessive inheritance. Affected: yes.

PreventionGenetics, part of Exact Sciences
Classification: Benign for LAMC2-related condition. Last evaluated: 2019-07-24. Review status: no assertion criteria provided. Collection method: clinical testing. Allele origin: germline. Not counted in ClinVar's aggregate classification.
Comment: This variant is classified as benign based on ACMG/AMP sequence variant interpretation guidelines (Richards et al. 2015 PMID: 25741868, with internal and published modifications).

NM_005562.3(LAMC2):c.3546A>G (p.Pro1182=)

Gene: LAMC2 (laminin subunit gamma 2; plus strand). Cytogenetic location: 1q25.3.
Variant type: single nucleotide variant.
Coding change: c.3546A>G on transcript NM_005562.3 (MANE Select); coding-DNA position 3546, A replaced by G.
Protein change: p.Pro1182=; no amino-acid change (proline 1182 retained).
Molecular consequence: synonymous variant.
Genome position (GRCh38, 1-based): chr1:183,243,364, A>G. VCF-style: chr1-183243364-A-G. GRCh37 (hg19) VCF-style: chr1-183212499-A-G.
Identifiers: ClinVar variation 294024 (VCV000294024.41), dbSNP rs41314547, ClinGen allele CA1283275.